The following is an entry in ClinVar:

NM_014023.4(WDR37):c.928G>A (p.Val310Met)

Gene: WDR37 (WD repeat domain 37; plus strand). Cytogenetic location: 10p15.3.
Variant type: single nucleotide variant.
Coding change: c.928G>A on transcript NM_014023.4 (MANE Select); coding-DNA position 928, G replaced by A.
Protein change: p.Val310Met; replaces valine 310 with methionine.
Molecular consequence: missense variant.
Genome position (GRCh38, 1-based): chr10:1,103,803, G>A. VCF-style: chr10-1103803-G-A. GRCh37 (hg19) VCF-style: chr10-1149743-G-A.
Other names: short protein forms V310M.
Identifiers: ClinVar variation 1683656 (VCV001683656.2), dbSNP rs1018536630, ClinGen allele CA201224064.

ClinVar aggregate classification (germline): Uncertain significance (1 of 4 stars; one submission).

Conditions:
Neurooculocardiogenitourinary syndrome. Identifiers: Orphanet 684305, MedGen C5231443, MONDO:0032850, OMIM 618652.

Allele frequency attached by ClinVar (database versions not stated): TOPMed below 0.00001; gnomAD exomes 0.00001.

Submission:

Laboratorio de Genetica e Diagnostico Molecular, Hospital Israelita Albert Einstein
Classification: Uncertain significance for Neurooculocardiogenitourinary syndrome. Last evaluated: 2021-10-26. Review status: criteria provided, single submitter. Criteria: ACMG Guidelines, 2015. Collection method: clinical testing. Allele origin: germline. Affected: yes.
Comment: ACMG classification criteria: PM2 moderate, BP4 supporting